The following is an entry in ClinVar:

NM_181840.1(KCNK18):c.755C>T (p.Ser252Leu)

Gene: KCNK18 (potassium two pore domain channel subfamily K member 18; plus strand). Cytogenetic location: 10q25.3.
Variant type: single nucleotide variant.
Coding change: c.755C>T on transcript NM_181840.1 (MANE Select); coding-DNA position 755, C replaced by T.
Protein change: p.Ser252Leu; replaces serine 252 with leucine.
Molecular consequence: missense variant.
Genome position (GRCh38, 1-based): chr10:117,209,899, C>T. VCF-style: chr10-117209899-C-T. GRCh37 (hg19) VCF-style: chr10-118969410-C-T.
Other names: short protein forms S252L.
Identifiers: ClinVar variation 3713509 (VCV003713509.2).
Genomic context (GRCh38, chr10:117,209,899, plus strand): 5'-ATGCGCTAGAGAAACAGAACACACTGCAACTGCCCCCACAAGCCATGGAGAGGAGTAACT[C>T]GTGTCCCGAACTGGTGTTGGGAAGACTCTCATACTCCATCATCAGCAACCTGGATGAAGT-3'
Protein context (NP_862823.1, residues 242-262): LPPQAMERSN[Ser252Leu]CPELVLGRLS

ClinVar aggregate classification (germline): Likely pathogenic (1 of 4 stars; one submission).

gnomAD v4.1: 193 of 1,614,192 alleles (0.012%); highest among the groups gnomAD compares: East Asian, 0.12%; 1 homozygote.

Submission:

Labcorp Genetics (formerly Invitae), Labcorp
Classification: Likely pathogenic. Last evaluated: 2025-09-25. Review status: criteria provided, single submitter. Criteria: Invitae Variant Classification Sherloc (09022015). Collection method: clinical testing. Allele origin: germline.
Comment: This sequence change replaces serine, which is neutral and polar, with leucine, which is neutral and non-polar, at codon 252 of the KCNK18 protein (p.Ser252Leu). This variant is present in population databases (rs149796761, gnomAD 0.04%). This missense change has been observed in individual(s) with KCNK18-related neurodevelopmental disorder (PMID: 34199759). It has also been observed to segregate with disease in related individuals. ClinVar contains an entry for this variant (Variation ID: 3713509). An algorithm developed to predict the effect of missense changes on protein structure and function (PolyPhen-2) suggests that this variant is likely to be tolerated. Experimental studies have shown that this missense change affects KCNK18 function (PMID: 34199759). In summary, the currently available evidence indicates that the variant is pathogenic, but additional data are needed to prove that conclusively. Therefore, this variant has been classified as Likely Pathogenic.

Literature cited by the submitters: PubMed 34199759.